The following is an entry in ClinVar:

NM_000188.3(HK1):c.2201T>C (p.Leu734Pro)

Gene: HK1 (hexokinase 1; plus strand). Cytogenetic location: 10q22.1.
Variant type: single nucleotide variant.
Coding change: c.2201T>C on transcript NM_000188.3 (MANE Select); coding-DNA position 2201, T replaced by C.
Protein change: p.Leu734Pro; replaces leucine 734 with proline.
Molecular consequence: missense variant. On other transcripts: non-coding transcript variant (1).
Genome position (GRCh38, 1-based): chr10:69,392,290, T>C. VCF-style: chr10-69392290-T-C. GRCh37 (hg19) VCF-style: chr10-71152046-T-C.
Other names: c.2081T>C, p.Leu694Pro (NM_001441145.1, NM_001441144.1); c.2201T>C, p.Leu734Pro (NM_001441146.1, NM_001441148.1, NM_001441141.1); c.1979T>C, p.Leu660Pro (NM_001441147.1); c.1835T>C, p.Leu612Pro (NM_001441149.1); c.1811T>C, p.Leu604Pro (NM_001441150.1); c.1562T>C, p.Leu521Pro (NM_001441151.1); c.1487T>C, p.Leu496Pro (NM_001441152.1); c.1193T>C, p.Leu398Pro (NM_001441153.1); and 8 more; short protein forms L398P, L496P, L521P, L604P, L612P, L660P, L694P, L702P.
Identifiers: ClinVar variation 4796789 (VCV004796789.1).

ClinVar aggregate classification (germline): Uncertain significance (1 of 4 stars; one submission).

Conditions:
Neurodevelopmental disorder with visual defects and brain anomalies. Identifiers: MedGen C5231404, MONDO:0032807, OMIM 618547.

Submission:

MVZ Medizinische Genetik Mainz
Classification: Uncertain significance for Neurodevelopmental disorder with visual defects and brain anomalies. Last evaluated: 2026-02-05. Review status: criteria provided, single submitter. Criteria: UK Practice Guidelines For Variant Classification V4 01 2020. Collection method: clinical testing. Allele origin: germline. Inheritance: Unknown mechanism. Affected: yes. Observed: 1 variant allele.
Comment: ACMG Criteria: PP3_MOD,PM2_SUP,PP2